The following is an entry in ClinVar:

NM_000136.3(FANCC):c.1594A>G (p.Arg532Gly)

Genes: FANCC (FA complementation group C; minus strand), AOPEP (aminopeptidase O (putative); plus strand). Cytogenetic location: 9q22.32.
Variant type: single nucleotide variant.
Coding change: c.1594A>G on transcript NM_000136.3 (MANE Select); coding-DNA position 1594, A replaced by G.
Protein change: p.Arg532Gly; replaces arginine 532 with glycine.
Molecular consequence: missense variant.
Genome position (GRCh38, 1-based): chr9:95,101,790, T>C on the plus strand (A>G on the coding strand, the complement: FANCC is on the minus strand). VCF-style: chr9-95101790-T-C. GRCh37 (hg19) VCF-style: chr9-97864072-T-C.
Other names: c.1594A>G, p.Arg532Gly (NM_001243743.2); short protein forms R532G.
Identifiers: ClinVar variation 1775982 (VCV001775982.2), dbSNP rs764649916, ClinGen allele CA5137293.
Genomic context (GRCh38, chr9:95,101,790, plus strand): 5'-TAAGGAGCTCTCGGGCCAGTTTTTCTGATCTAGGGCTTTCAATGCCAAGACGATTCCATC[T>C]GTACAAGGTCTGGTCAAGAAAGCCAATGATCTCGTGAGTTATCTCAGCAGTGTGAGCCAT-3'
Protein context (NP_000127.2, residues 522-542): IIGFLDQTLY[Arg532Gly]WNRLGIESPR

ClinVar aggregate classification (germline): Uncertain significance (1 of 4 stars; one submission).

Conditions:
Hereditary cancer-predisposing syndrome. Also called: Neoplastic Syndromes, Hereditary; Tumor predisposition; Hereditary Cancer Syndrome; Hereditary neoplastic syndrome. Identifiers: Orphanet 140162, MedGen C0027672, MeSH D009386, MONDO:0015356.

Allele frequency attached by ClinVar (database versions not stated): gnomAD exomes below 0.00001.
gnomAD v4.1: 1 of 1,614,172 alleles (0.000062%); highest among the groups gnomAD compares: African/African-American, 0.0013%; no homozygotes.

Submission:

Ambry Genetics
Classification: Uncertain significance for Hereditary cancer-predisposing syndrome. Last evaluated: 2021-06-27. Review status: criteria provided, single submitter. Criteria: Ambry Variant Classification Scheme 2023. Collection method: clinical testing. Allele origin: germline.
Comment: The p.R532G variant (also known as c.1594A>G), located in coding exon 14 of the FANCC gene, results from an A to G substitution at nucleotide position 1594. The arginine at codon 532 is replaced by glycine, an amino acid with dissimilar properties. This amino acid position is conserved. In addition, the in silico prediction for this alteration is inconclusive. Since supporting evidence is limited at this time, the clinical significance of this alteration remains unclear.